The following continues an entry in ClinVar:

NM_213599.3(ANO5):c.1898+1G>A

Gene: ANO5. ClinVar aggregate classification (germline): Pathogenic. Pathogenic (1).

Submissions 12 to 19 of 19:

Fulgent Genetics
Classification: Pathogenic for Gnathodiaphyseal dysplasia; Autosomal recessive limb-girdle muscular dystrophy type 2L; Miyoshi muscular dystrophy 3. Last evaluated: 2018-10-31. Review status: criteria provided, single submitter. Criteria: ACMG Guidelines, 2015. Collection method: clinical testing. Allele origin: unknown. Not counted in ClinVar's aggregate classification.

Eurofins Ntd Llc (ga)
Classification: Pathogenic. Last evaluated: 2017-10-02. Review status: criteria provided, single submitter. Criteria: EGL Classification Definitions 2015. Collection method: clinical testing. Allele origin: germline. Observed: 14 variant alleles, 14 heterozygotes. Not counted in ClinVar's aggregate classification.

Juno Genomics, Hangzhou Juno Genomics, Inc
Classification: Pathogenic for Miyoshi muscular dystrophy 3; Autosomal recessive limb-girdle muscular dystrophy type 2L. Review status: criteria provided, single submitter. Criteria: ACMG Guidelines, 2015. Collection method: clinical testing. Allele origin: germline. Not counted in ClinVar's aggregate classification.
Comment: Absent from controls (or at extremely low frequency if recessive) in Genome Aggregation Database.;Null variant in a gene where loss of function (LOF) is a known mechanism of disease.;For recessive disorders, detected in trans with a pathogenic variant.

Clinical Genetics Laboratory, University Hospital Schleswig-Holstein
Classification: Pathogenic for Autosomal recessive limb-girdle muscular dystrophy type 2L; Miyoshi muscular dystrophy 3. Last evaluated: 2024-03-05. Review status: no assertion criteria provided. Collection method: clinical testing. Allele origin: germline. Affected: yes. Not counted in ClinVar's aggregate classification.

Clinical Genetics DNA and cytogenetics Diagnostics Lab, Erasmus MC, Erasmus Medical Center
Classification: Pathogenic. Review status: no assertion criteria provided. Collection method: clinical testing. Allele origin: germline. Affected: yes. Study: VKGL Data-share Consensus. Not counted in ClinVar's aggregate classification.

Clinical Genetics, Academic Medical Center
Classification: Pathogenic. Review status: no assertion criteria provided. Collection method: clinical testing. Allele origin: germline. Affected: yes. Study: VKGL Data-share Consensus. Not counted in ClinVar's aggregate classification.

Diagnostic Laboratory, Department of Genetics, University Medical Center Groningen
Classification: Pathogenic. Review status: no assertion criteria provided. Collection method: clinical testing. Allele origin: germline. Affected: yes. Study: VKGL Data-share Consensus. Not counted in ClinVar's aggregate classification.

Laboratory of Diagnostic Genome Analysis, Leiden University Medical Center (LUMC)
Classification: Pathogenic. Review status: no assertion criteria provided. Collection method: clinical testing. Allele origin: germline. Affected: yes. Study: VKGL Data-share Consensus. Not counted in ClinVar's aggregate classification.

Literature cited by the submitters: PubMed 16199547 (cited by Labcorp Genetics (formerly Invitae), Labcorp); PubMed 21186264 (cited by Labcorp Genetics (formerly Invitae), Labcorp); PubMed 23606453 (cited by 3 submitters); PubMed 25891276 (cited by Labcorp Genetics (formerly Invitae), Labcorp); PubMed 30919934 (cited by Labcorp Genetics (formerly Invitae), Labcorp and Mayo Clinic Laboratories, Mayo Clinic); PubMed 23041008 (cited by 5 submitters); PubMed 23530687 (cited by 4 submitters); PubMed 23607914 (cited by 4 submitters); PubMed 23663589 (cited by 4 submitters); PubMed 23670307 (cited by 3 submitters).